The following is an entry in ClinVar:

ClinVar aggregate classification (germline): Uncertain significance (1 of 4 stars; one submission).

Conditions:
D-2-hydroxyglutaric aciduria 2 (D2HGA2). Identifiers: Orphanet 79315, MedGen C3150909, MONDO:0013345, OMIM 613657.

Allele frequency attached by ClinVar (database versions not stated): gnomAD 0.00001; gnomAD exomes 0.00001; ExAC 0.00002; TOPMed 0.00002.
gnomAD v4.1: 16 of 1,614,012 alleles (0.00099%); highest among the groups gnomAD compares: East Asian, 0.0022%; no homozygotes.

Submission:

Labcorp Genetics (formerly Invitae), Labcorp
Classification: Uncertain significance for D-2-hydroxyglutaric aciduria 2. Last evaluated: 2025-03-10. Review status: criteria provided, single submitter. Criteria: Invitae Variant Classification Sherloc (09022015). Collection method: clinical testing. Allele origin: germline.
Comment: This sequence change replaces arginine, which is basic and polar, with cysteine, which is neutral and slightly polar, at codon 377 of the IDH2 protein (p.Arg377Cys). This variant is present in population databases (rs765712414, gnomAD 0.003%). This variant has not been reported in the literature in individuals affected with IDH2-related conditions. ClinVar contains an entry for this variant (Variation ID: 641910). Invitae Evidence Modeling of protein sequence and biophysical properties (such as structural, functional, and spatial information, amino acid conservation, physicochemical variation, residue mobility, and thermodynamic stability) indicates that this missense variant is expected to disrupt IDH2 protein function with a positive predictive value of 80%. In summary, the available evidence is currently insufficient to determine the role of this variant in disease. Therefore, it has been classified as a Variant of Uncertain Significance.

NM_002168.4(IDH2):c.1129C>T (p.Arg377Cys)

Gene: IDH2 (isocitrate dehydrogenase (NADP(+)) 2; minus strand). Cytogenetic location: 15q26.1.
Variant type: single nucleotide variant.
Coding change: c.1129C>T on transcript NM_002168.4 (MANE Select); coding-DNA position 1129, C replaced by T.
Protein change: p.Arg377Cys; replaces arginine 377 with cysteine.
Molecular consequence: missense variant.
Genome position (GRCh38, 1-based): chr15:90,085,050, G>A on the plus strand (C>T on the coding strand, the complement: IDH2 is on the minus strand). VCF-style: chr15-90085050-G-A. GRCh37 (hg19) VCF-style: chr15-90628282-G-A.
Other names: c.973C>T, p.Arg325Cys (NM_001289910.1); c.739C>T, p.Arg247Cys (NM_001290114.2); short protein forms R377C, R247C, R325C.
Identifiers: ClinVar variation 641910 (VCV000641910.8), dbSNP rs765712414, ClinGen allele CA7732960.